The following is an entry in ClinVar:

ClinVar aggregate classification (germline): Uncertain significance (1 of 4 stars; one submission).

Allele frequency attached by ClinVar (database versions not stated): TOPMed 0.00002.

Submission:

Labcorp Genetics (formerly Invitae), Labcorp
Classification: Uncertain significance. Last evaluated: 2025-12-24. Review status: criteria provided, single submitter. Criteria: Invitae Variant Classification Sherloc (09022015). Collection method: clinical testing. Allele origin: germline.
Comment: This sequence change replaces lysine, which is basic and polar, with asparagine, which is neutral and polar, at codon 776 of the CACNA1F protein (p.Lys776Asn). This variant is present in population databases (no rsID available, gnomAD 0.008%). This variant has not been reported in the literature in individuals affected with CACNA1F-related conditions. ClinVar contains an entry for this variant (Variation ID: 1469241). Invitae Evidence Modeling of protein sequence and biophysical properties (such as structural, functional, and spatial information, amino acid conservation, physicochemical variation, residue mobility, and thermodynamic stability) indicates that this missense variant is not expected to disrupt CACNA1F protein function with a negative predictive value of 80%. Algorithms developed to predict the effect of sequence changes on RNA splicing suggest that this variant may disrupt the consensus splice site. In summary, the available evidence is currently insufficient to determine the role of this variant in disease. Therefore, it has been classified as a Variant of Uncertain Significance.

NM_001256789.3(CACNA1F):c.2295G>T (p.Lys765Asn)

Gene: CACNA1F (calcium voltage-gated channel subunit alpha1 F; minus strand). Cytogenetic location: Xp11.23.
Variant type: single nucleotide variant.
Coding change: c.2295G>T on transcript NM_001256789.3 (MANE Select); coding-DNA position 2295, G replaced by T.
Protein change: p.Lys765Asn; replaces lysine 765 with asparagine.
Molecular consequence: missense variant.
Genome position (GRCh38, 1-based): chrX:49,221,074, C>A on the plus strand (G>T on the coding strand, the complement: CACNA1F is on the minus strand). VCF-style: chrX-49221074-C-A. GRCh37 (hg19) VCF-style: chrX-49077533-C-A.
Other names: c.2133G>T, p.Lys711Asn (NM_001256790.3); c.2328G>T, p.Lys776Asn (NM_005183.4); short protein forms K711N, K765N, K776N.
Identifiers: ClinVar variation 1469241 (VCV001469241.8), dbSNP rs1244091567, ClinGen allele CA412909047.